The following is an entry in ClinVar:

NM_000520.6(HEXA):c.1058C>T (p.Ser353Phe)

Gene: HEXA (hexosaminidase subunit alpha; minus strand). Cytogenetic location: 15q23.
Variant type: single nucleotide variant.
Coding change: c.1058C>T on transcript NM_000520.6 (MANE Select); coding-DNA position 1058, C replaced by T.
Protein change: p.Ser353Phe; replaces serine 353 with phenylalanine.
Molecular consequence: missense variant. On other transcripts: non-coding transcript variant (1).
Genome position (GRCh38, 1-based): chr15:72,348,063, G>A on the plus strand (C>T on the coding strand, the complement: HEXA is on the minus strand). VCF-style: chr15-72348063-G-A. GRCh37 (hg19) VCF-style: chr15-72640404-G-A.
Other names: c.1091C>T, p.Ser364Phe (NM_001318825.2); short protein forms S353F, S364F.
Identifiers: ClinVar variation 1514909 (VCV001514909.7), dbSNP rs2140322145, ClinGen allele CA393061852.

ClinVar aggregate classification (germline): Uncertain significance (1 of 4 stars; one submission).

Conditions:
Tay-Sachs disease (TSD). Also called: HEXA DEFICIENCY; HEXA Disorders; GM2 gangliosidosis, type 1; Hexosaminidase alpha-subunit deficiency (variant B); Sphingolipidosis, Tay-Sachs; Hexosaminidase A Deficiency. Identifiers: Orphanet 845, MedGen C0039373, MONDO:0010100, OMIM 272800.

Allele frequency attached by ClinVar (database versions not stated): gnomAD exomes below 0.00001.

Submission:

Labcorp Genetics (formerly Invitae), Labcorp
Classification: Uncertain significance for Tay-Sachs disease. Last evaluated: 2025-08-21. Review status: criteria provided, single submitter. Criteria: Invitae Variant Classification Sherloc (09022015). Collection method: clinical testing. Allele origin: germline.
Comment: This sequence change replaces serine, which is neutral and polar, with phenylalanine, which is neutral and non-polar, at codon 353 of the HEXA protein (p.Ser353Phe). This variant is not present in population databases (gnomAD no frequency). This variant has not been reported in the literature in individuals affected with HEXA-related conditions. ClinVar contains an entry for this variant (Variation ID: 1514909). Invitae Evidence Modeling of protein sequence and biophysical properties (such as structural, functional, and spatial information, amino acid conservation, physicochemical variation, residue mobility, and thermodynamic stability) indicates that this missense variant is expected to disrupt HEXA protein function with a positive predictive value of 95%. In summary, the available evidence is currently insufficient to determine the role of this variant in disease. Therefore, it has been classified as a Variant of Uncertain Significance.